The following is an entry in ClinVar:

NM_005660.3(SLC35A2):c.1164-51G>A

Gene: SLC35A2 (solute carrier family 35 member A2; minus strand). Cytogenetic location: Xp11.23.
Variant type: single nucleotide variant.
Coding change: c.1164-51G>A on transcript NM_005660.3 (MANE Select); 51 bases into the intron before coding-DNA position 1164, G replaced by A.
Molecular consequence: intron variant. On other transcripts: 3 prime UTR variant (4).
Genome position (GRCh38, 1-based): chrX:48,903,516, C>T on the plus strand (G>A on the coding strand, the complement: SLC35A2 is on the minus strand). VCF-style: chrX-48903516-C-T. GRCh37 (hg19) VCF-style: chrX-48760793-C-T.
Other names: c.*1211G>A (NM_001042498.3, NM_001282649.2, NM_001282650.2 and 1 more transcripts); c.574-51G>A (NM_001282647.2).
Identifiers: ClinVar variation 1245601 (VCV001245601.5), dbSNP rs2239453, ClinGen allele CA10406018.

ClinVar aggregate classification (germline): Benign. Review status: criteria provided, multiple submitters, no conflicts (2 of 4 stars). 3 submissions from 3 submitters: Benign (3). Last evaluated 2024-07-15.

Allele frequency attached by ClinVar (database versions not stated): ESP Exome Variant Server 0.39797; gnomAD 0.40257 and 0.40261; TOPMed 0.40609; gnomAD exomes 0.41635 and 0.42103; ExAC 0.42924; 1000 Genomes Project 30x 0.43184; 1000 Genomes Project 0.43550.

Submissions (3):

Unidad de Genómica Garrahan, Hospital de Pediatría Garrahan
Classification: Benign. Last evaluated: 2024-07-15. Review status: criteria provided, single submitter. Criteria: ACMG Guidelines, 2015. Collection method: clinical testing. Allele origin: germline. Affected: no. Observed: 20 variant alleles.
Comment: This variant is classified as Benign based on local population frequency. This variant was detected in 22% of patients studied in a panel designed for Epileptic and Developmental Encephalopathy and Progressive Myoclonus Epilepsy. Number of patients: 20. Only high quality variants are reported.

GeneDx
Classification: Benign. Last evaluated: 2018-06-23. Review status: criteria provided, single submitter. Criteria: GeneDx Variant Classification Process June 2021. Collection method: clinical testing. Allele origin: germline. Affected: yes.

Breakthrough Genomics
Classification: Benign. Review status: criteria provided, single submitter. Criteria: ACMG Guidelines, 2015. Collection method: not provided. Allele origin: germline. Inheritance: X-linked inheritance. Affected: yes.